The following is an entry in ClinVar:

ClinVar aggregate classification (germline): Uncertain significance (1 of 4 stars; one submission).

Conditions:
Perlman syndrome (PRLMNS). Identifiers: Orphanet 2849, MedGen C0796113, MONDO:0009965, OMIM 267000.

Allele frequency attached by ClinVar (database versions not stated): TOPMed below 0.00001; ExAC 0.00001; gnomAD exomes 0.00001.
gnomAD v4.1: 20 of 1,613,118 alleles (0.0012%); highest among the groups gnomAD compares: Non-Finnish European, 0.0017%; no homozygotes.

Submission:

Labcorp Genetics (formerly Invitae), Labcorp
Classification: Uncertain significance for Perlman syndrome. Last evaluated: 2021-10-30. Review status: criteria provided, single submitter. Criteria: Invitae Variant Classification Sherloc (09022015). Collection method: clinical testing. Allele origin: germline.
Comment: In summary, the available evidence is currently insufficient to determine the role of this variant in disease. Therefore, it has been classified as a Variant of Uncertain Significance. Algorithms developed to predict the effect of sequence changes on RNA splicing suggest that this variant may create or strengthen a splice site. Algorithms developed to predict the effect of missense changes on protein structure and function are either unavailable or do not agree on the potential impact of this missense change (SIFT: "Deleterious"; PolyPhen-2: "Benign"; Align-GVGD: "Class C0"). ClinVar contains an entry for this variant (Variation ID: 652040). This variant has not been reported in the literature in individuals affected with DIS3L2-related conditions. This variant is present in population databases (rs763093753, gnomAD 0.003%). This sequence change replaces arginine, which is basic and polar, with serine, which is neutral and polar, at codon 616 of the DIS3L2 protein (p.Arg616Ser).

NM_152383.5(DIS3L2):c.1848G>T (p.Arg616Ser)

Gene: DIS3L2 (DIS3 like 3'-5' exoribonuclease 2; plus strand). Cytogenetic location: 2q37.1.
Variant type: single nucleotide variant.
Coding change: c.1848G>T on transcript NM_152383.5 (MANE Select); coding-DNA position 1848, G replaced by T.
Protein change: p.Arg616Ser; replaces arginine 616 with serine.
Molecular consequence: missense variant. On other transcripts: non-coding transcript variant (2), intron variant (1).
Genome position (GRCh38, 1-based): chr2:232,329,921, G>T. VCF-style: chr2-232329921-G-T. GRCh37 (hg19) VCF-style: chr2-233194631-G-T.
Other names: c.1582-13424G>T (NM_001257281.2); short protein forms R616S.
Identifiers: ClinVar variation 652040 (VCV000652040.6), dbSNP rs763093753, ClinGen allele CA2164287.